The following is an entry in ClinVar:

ClinVar aggregate classification (germline): Pathogenic (1 of 4 stars; one submission).

Conditions:
Pyogenic granuloma. Also called: PG; Lobular capillary hemangioma. Identifiers: MedGen C0085653, MONDO:0022096.

Submission:

Clinical Genomics Laboratory, Washington University in St. Louis
Classification: Pathogenic for Pyogenic granuloma. Last evaluated: 2026-03-24. Review status: criteria provided, single submitter. Criteria: Leon-Quintero et al. (Clin Genet. 2025). Collection method: clinical testing. Allele origin: somatic. Affected: yes.
Comment: A KRAS c.182_183delinsGC (p.Gln61Arg) variant was identified at an allelic fraction consistent with somatic origin. However, the same amino acid change (p.Gln61Arg), due to a different coding change (c.182A>G) has been reported as a somatic variant in one individual with a vascular tumor (Schmidt VF et al., PMID: 38563363), and in multiple cancer cases in the cancer database COSMIC (COSMIC ID: COSV55498739). In addition, the p.Gln61Arg variant has been reported in the literature in several individuals with vascular malformations and is considered pathogenic (Schmidt VF et al., PMID: 38563363; Al-Olabi L et al. PMID: 29461977; Chang CA et al. PMID: 34056834; Li H et al., PMID: 34530633; Hong T et al., PMID: 30544177; Nikolaev SI et al., PMID: 29298116). This variant is absent from the general population (gnomAD v.4.1.0), indicating it is not a common variant and resides within a region, the switch II domain of KRAS that is defined as a critical functional domain (Gelb BD et al. PMID: 29493581). Functional studies show increased ERK activation and transforming potential, indicating that this variant impacts protein function (Huynh MV et al., PMID: 35944066). The KRAS gene is defined by the ClinGen RASopathies expert panel as a gene that has a low rate of benign missense variation and where pathogenic missense variants are a common mechanism of disease. Other variants in the same codon, c.183A>C (p.Gln61His), c.182A>T (p.Gln61Leu) and c.183A>T (p.Gln61His) are reported in multiple individuals affected with vascular malformations and cancers are considered pathogenic/ likely pathogenic (Luo Su et al., PMID: 25219651; Al-Olabi et al., PMID: 29461977; Schmidt VF et al., PMID: 38563363; Chang CA et al., PMID: 34056834; Li H et al., PMID: 34530633; Hong T et al., PMID: 30544177; Nikolaev SI et al., PMID: 29298116; ClinVar Variation ID: 177881, 45116 and 45117). Based on available information and an internally developed protocol informed by the ACMG/AMP guidelines for variant interpretation and gene-specific practices from the ClinGen Criteria Specification Registry (Leon-Quintero FZ et al., PMID: 39434542), the KRAS c.182_183delinsGC (p.Gln61Arg) variant is classified as pathogenic.

NM_004985.5(KRAS):c.182_183delinsGC (p.Gln61Arg)

Gene: KRAS (KRas proto-oncogene, GTPase; minus strand). Cytogenetic location: 12p12.1.
Variant type: Indel.
Coding change: c.182_183delinsGC on transcript NM_004985.5 (MANE Select); coding-DNA positions 182 to 183, AA replaced by GC.
Protein change: p.Gln61Arg; replaces glutamine 61 with arginine.
Molecular consequence: missense variant.
Genome position (GRCh38, 1-based): chr12:25,227,341-25,227,342, TT replaced by GC on the plus strand (AA replaced by GC on the coding strand, the reverse complement: KRAS is on the minus strand). VCF-style: chr12-25227341-TT-GC. GRCh37 (hg19) VCF-style: chr12-25380275-TT-GC.
Other names: c.182_183delinsGC, p.Gln61Arg (NM_001369786.1, NM_001369787.1, NM_033360.4); short protein forms Q61R.
Identifiers: ClinVar variation 4974577 (VCV004974577.1).
Genomic context (GRCh38, chr12:25,227,341, plus strand): 5'-TACACAAAGAAAGCCCTCCCCAGTCCTCATGTACTGGTCCCTCATTGCACTGTACTCCTC[TT>GC]GACCTGCTGTGTCGAGAATATCCAAGAGACAGGTTTCTCCATCAATTACTACTTGCTTCC-3'
Protein context (NP_004976.2, residues 51-71): CLLDILDTAG[Gln61Arg]EEYSAMRDQY